The following is an entry in ClinVar:

ClinVar aggregate classification (germline): Uncertain significance (1 of 4 stars; one submission).

Conditions:
Dyskeratosis congenita, autosomal recessive 6 (DKCB6). Identifiers: MedGen C4225356, MONDO:0014600, OMIM 616353.
Pulmonary fibrosis and/or bone marrow failure, Telomere-related, 4. Also called: PULMONARY FIBROSIS AND/OR BONE MARROW FAILURE SYNDROME, TELOMERE-RELATED, 4. Identifiers: Orphanet 2032, MedGen C4225347, MONDO:0014612, OMIM 616371.

Submission:

Labcorp Genetics (formerly Invitae), Labcorp
Classification: Uncertain significance for Dyskeratosis congenita, autosomal recessive 6; Pulmonary fibrosis and/or bone marrow failure, Telomere-related, 4. Last evaluated: 2024-01-12. Review status: criteria provided, single submitter. Criteria: Invitae Variant Classification Sherloc (09022015). Collection method: clinical testing. Allele origin: germline.
Comment: This sequence change replaces threonine, which is neutral and polar, with isoleucine, which is neutral and non-polar, at codon 49 of the PARN protein (p.Thr49Ile). This variant is not present in population databases (gnomAD no frequency). This variant has not been reported in the literature in individuals affected with PARN-related conditions. Advanced modeling of protein sequence and biophysical properties (such as structural, functional, and spatial information, amino acid conservation, physicochemical variation, residue mobility, and thermodynamic stability) performed at Invitae indicates that this missense variant is expected to disrupt PARN protein function with a positive predictive value of 80%. In summary, the available evidence is currently insufficient to determine the role of this variant in disease. Therefore, it has been classified as a Variant of Uncertain Significance.

NM_002582.4(PARN):c.146C>T (p.Thr49Ile)

Gene: PARN (poly(A)-specific ribonuclease; minus strand). Cytogenetic location: 16p13.12.
Variant type: single nucleotide variant.
Coding change: c.146C>T on transcript NM_002582.4 (MANE Select); coding-DNA position 146, C replaced by T.
Protein change: p.Thr49Ile; replaces threonine 49 with isoleucine.
Molecular consequence: missense variant. On other transcripts: 5 prime UTR variant (1).
Genome position (GRCh38, 1-based): chr16:14,628,203, G>A on the plus strand (C>T on the coding strand, the complement: PARN is on the minus strand). VCF-style: chr16-14628203-G-A. GRCh37 (hg19) VCF-style: chr16-14722060-G-A.
Other names: c.-38C>T (NM_001134477.3); c.146C>T, p.Thr49Ile (NM_001242992.2); short protein forms T49I.
Identifiers: ClinVar variation 2952166 (VCV002952166.3), dbSNP rs2508639741, ClinGen allele CA394816941.
Genomic context (GRCh38, chr16:14,628,203, plus strand): 5'-GAAAAAGATTTCCTAGCACATCCACTTGCCTTTTTAAGCTTCTGATACCTCTCTTCTGGA[G>A]TGTCAAAACCATTTGTTAATGCAGAGACTGAAGGTCCATCACTGATTCCTAGATTTTAAG-3'
Protein context (NP_002573.1, residues 39-59): SVSALTNGFD[Thr49Ile]PEERYQKLKK